The following is an entry in ClinVar:

NM_001378454.1(ALMS1):c.1628C>T (p.Ala543Val)

Gene: ALMS1 (ALMS1 centrosome and basal body associated protein; plus strand). Cytogenetic location: 2p13.1.
Variant type: single nucleotide variant.
Coding change: c.1628C>T on transcript NM_001378454.1 (MANE Select); coding-DNA position 1628, C replaced by T.
Protein change: p.Ala543Val; replaces alanine 543 with valine.
Molecular consequence: missense variant.
Genome position (GRCh38, 1-based): chr2:73,448,155, C>T. VCF-style: chr2-73448155-C-T. GRCh37 (hg19) VCF-style: chr2-73675282-C-T.
Other names: c.1631C>T, p.Ala544Val (NM_015120.4); short protein forms A544V, A543V.
Identifiers: ClinVar variation 4987809 (VCV004987809.1).
Genomic context (GRCh38, chr2:73,448,155, plus strand): 5'-GTTCTCCTCTAGAAACTACTACTGGTCAACACACTGATACTCTCAACCAAAAGACATTAG[C>T]AGATACTCATCTAACTGAAGAGACTCTGAAAGTCACAGCTATTCCTGAACCAGCTGACCA-3'
Protein context (NP_001365383.1, residues 533-553): HTDTLNQKTL[Ala543Val]DTHLTEETLK

ClinVar aggregate classification (germline): Uncertain significance (1 of 4 stars; one submission).

Conditions:
ALMS1-related disorder. Also called: ALMS1-related condition.

gnomAD v4.1: 1 of 1,614,014 alleles (0.000062%); no homozygotes.

Submission:

PreventionGenetics, part of Exact Sciences
Classification: Uncertain significance for ALMS1-related condition. Last evaluated: 2025-12-22. Review status: criteria provided, single submitter. Criteria: ACMG Guidelines, 2015. Collection method: clinical testing. Allele origin: germline.
Comment: The ALMS1 c.1631C>T variant is predicted to result in the amino acid substitution p.Thr544Ile. To our knowledge, this variant has not been reported in the literature. This variant is reported in 0.0033% of alleles in individuals of South Asian descent in gnomAD. At this time, the clinical significance of this variant is uncertain due to the absence of conclusive functional and genetic evidence.